The following is an entry in ClinVar:

ClinVar aggregate classification (germline): Uncertain significance (1 of 4 stars; one submission).

Conditions:
Developmental and epileptic encephalopathy, 12 (DEE12). Identifiers: MedGen C3150988, MONDO:0013389, OMIM 613722.

Allele frequency attached by ClinVar (database versions not stated): gnomAD exomes below 0.00001.
gnomAD v4.1: 1 of 1,612,506 alleles (0.000062%); highest among the groups gnomAD compares: Non-Finnish European, 0.000085%; no homozygotes.

Submission:

Labcorp Genetics (formerly Invitae), Labcorp
Classification: Uncertain significance for Developmental and epileptic encephalopathy, 12. Last evaluated: 2019-09-17. Review status: criteria provided, single submitter. Criteria: Invitae Variant Classification Sherloc (09022015). Collection method: clinical testing. Allele origin: germline.
Comment: This variant has not been reported in the literature in individuals with PLCB1-related conditions. In summary, the available evidence is currently insufficient to determine the role of this variant in disease. Therefore, it has been classified as a Variant of Uncertain Significance. Algorithms developed to predict the effect of sequence changes on RNA splicing suggest that this variant may create or strengthen a splice site, but this prediction has not been confirmed by published transcriptional studies. Algorithms developed to predict the effect of missense changes on protein structure and function (SIFT, PolyPhen-2, Align-GVGD) all suggest that this variant is likely to be tolerated, but these predictions have not been confirmed by published functional studies and their clinical significance is uncertain. This variant is not present in population databases (ExAC no frequency). This sequence change replaces methionine with isoleucine at codon 456 of the PLCB1 protein (p.Met456Ile). The methionine residue is moderately conserved and there is a small physicochemical difference between methionine and isoleucine.

NM_015192.4(PLCB1):c.1368G>A (p.Met456Ile)

Gene: PLCB1 (phospholipase C beta 1; plus strand). Cytogenetic location: 20p12.3.
Variant type: single nucleotide variant.
Coding change: c.1368G>A on transcript NM_015192.4 (MANE Select); coding-DNA position 1368, G replaced by A.
Protein change: p.Met456Ile; replaces methionine 456 with isoleucine.
Molecular consequence: missense variant.
Genome position (GRCh38, 1-based): chr20:8,717,703, G>A. VCF-style: chr20-8717703-G-A. GRCh37 (hg19) VCF-style: chr20-8698350-G-A.
Other names: c.1368G>A, p.Met456Ile (NM_182734.3); short protein forms M456I.
Identifiers: ClinVar variation 940427 (VCV000940427.10), dbSNP rs1979399616, ClinGen allele CA408200898.
Genomic context (GRCh38, chr20:8,717,703, plus strand): 5'-TAAAGAATATGCCTTTCATTTCTATTAGCTGGAATCTGGAGTTCCTCTTCCAAGCCCTAT[G>A]GATTTAATGTATAAAATTTTGGTGAAAAATAAGAAGAAATCACACAAGTCATCAGAAGGA-3'
Protein context (NP_056007.1, residues 446-466): LESGVPLPSP[Met456Ile]DLMYKILVKN